The following is an entry in ClinVar:

ClinVar aggregate classification (germline): Benign (1 of 4 stars; one submission).

Allele frequency attached by ClinVar (database versions not stated): 1000 Genomes Project 0.00399; 1000 Genomes Project 30x 0.00406; gnomAD 0.00911; ExAC 0.00968; TOPMed 0.01000; ESP Exome Variant Server 0.01084; gnomAD exomes 0.01256.
gnomAD v4.1: 19,581 of 1,606,510 alleles (1.2%); highest among the groups gnomAD compares: Non-Finnish European, 1.4%; 143 homozygotes.

Submission:

CeGaT Center for Human Genetics Tuebingen
Classification: Benign. Last evaluated: 2023-06-01. Review status: criteria provided, single submitter. Criteria: CeGaT Center For Human Genetics Tuebingen Variant Classification Criteria Version 2. Collection method: clinical testing. Allele origin: germline. Affected: yes. Observed: 1 variant allele.
Comment: LIMK2: BP4, BP7, BS1, BS2

NM_005569.4(LIMK2):c.342G>A (p.Val114=)

Gene: LIMK2 (LIM domain kinase 2; plus strand). Cytogenetic location: 22q12.2.
Variant type: single nucleotide variant.
Coding change: c.342G>A on transcript NM_005569.4 (MANE Select); coding-DNA position 342, G replaced by A.
Protein change: p.Val114=; no amino-acid change (valine 114 retained).
Molecular consequence: synonymous variant.
Genome position (GRCh38, 1-based): chr22:31,259,210, G>A. VCF-style: chr22-31259210-G-A. GRCh37 (hg19) VCF-style: chr22-31655196-G-A.
Other names: c.279G>A, p.Val93= (NM_001031801.2, NM_016733.3).
Identifiers: ClinVar variation 2653068 (VCV002653068.24), dbSNP rs55638065, ClinGen allele CA10190398.